The following is an entry in ClinVar:

ClinVar aggregate classification (germline): Conflicting classifications of pathogenicity. Review status: criteria provided, conflicting classifications (1 of 4 stars). 4 submissions from 4 submitters: Uncertain significance (1); Likely benign (3). Last evaluated 2025-12-17.

Conditions:
Facioscapulohumeral muscular dystrophy 2 (FSHD2). Also called: FACIOSCAPULOHUMERAL MUSCULAR DYSTROPHY 2, DIGENIC; FSHD2, DIGENIC; MUSCULAR DYSTROPHY, FACIOSCAPULOHUMERAL, TYPE 1B. Identifiers: Orphanet 269, MedGen C1834671, MONDO:0008031, OMIM 158901.

Allele frequency attached by ClinVar (database versions not stated): ExAC 0.00002; gnomAD exomes 0.00004; gnomAD 0.00005 and 0.00006; TOPMed 0.00008.
gnomAD v4.1: 68 of 1,613,662 alleles (0.0042%); highest among the groups gnomAD compares: Middle Eastern, 0.066%; no homozygotes.

Submissions (4):

Labcorp Genetics (formerly Invitae), Labcorp
Classification: Likely benign for Facioscapulohumeral muscular dystrophy 2. Last evaluated: 2025-12-17. Review status: criteria provided, single submitter. Criteria: Invitae Variant Classification Sherloc (09022015). Collection method: clinical testing. Allele origin: germline.

Blueprint Genetics
Classification: Likely benign. Last evaluated: 2024-11-06. Review status: criteria provided, single submitter. Criteria: ACMG Guidelines, 2015. Collection method: clinical testing. Allele origin: germline.

CeGaT Center for Human Genetics Tuebingen
Classification: Likely benign. Last evaluated: 2023-03-01. Review status: criteria provided, single submitter. Criteria: CeGaT Center For Human Genetics Tuebingen Variant Classification Criteria Version 2. Collection method: clinical testing. Allele origin: germline. Affected: yes. Observed: 3 variant alleles.
Comment: SMCHD1: BP4, BP7

Eurofins Ntd Llc (ga)
Classification: Uncertain significance. Last evaluated: 2017-10-02. Review status: criteria provided, single submitter. Criteria: EGL Classification Definitions 2015. Collection method: clinical testing. Allele origin: germline. Observed: 1 variant allele, 1 heterozygote.

NM_015295.3(SMCHD1):c.4461A>G (p.Gln1487=)

Gene: SMCHD1 (structural maintenance of chromosomes flexible hinge domain containing 1; plus strand). Cytogenetic location: 18p11.32.
Variant type: single nucleotide variant.
Coding change: c.4461A>G on transcript NM_015295.3 (MANE Select); coding-DNA position 4461, A replaced by G.
Protein change: p.Gln1487=; no amino-acid change (glutamine 1487 retained).
Molecular consequence: synonymous variant.
Genome position (GRCh38, 1-based): chr18:2,762,131, A>G. VCF-style: chr18-2762131-A-G. GRCh37 (hg19) VCF-style: chr18-2762129-A-G.
Identifiers: ClinVar variation 594256 (VCV000594256.45), dbSNP rs763699437, ClinGen allele CA8871493.
Genomic context (GRCh38, chr18:2,762,131, plus strand): 5'-ATTGTTAATCAGAATGTCTCTTTTGTTTTGTAAGGTTATAGTTGAAGTCCTGCCTAATCA[A>G]CCTGTGAAGTTAGTACCTAAAATTAAACCACCTACACCAGCTGTTTCAAATGTTCGCTCA-3'
Protein context (NP_056110.2, residues 1477-1497): EQVIVEVLPN[Gln1487=]PVKLVPKIKP